The following is an entry in ClinVar:

NM_138773.4(SLC25A46):c.194G>C (p.Gly65Ala)

Gene: SLC25A46 (solute carrier family 25 member 46; plus strand). Cytogenetic location: 5q22.1.
Variant type: single nucleotide variant.
Coding change: c.194G>C on transcript NM_138773.4 (MANE Select); coding-DNA position 194, G replaced by C.
Protein change: p.Gly65Ala; replaces glycine 65 with alanine.
Molecular consequence: missense variant. On other transcripts: non-coding transcript variant (1), intron variant (1).
Genome position (GRCh38, 1-based): chr5:110,739,313, G>C. VCF-style: chr5-110739313-G-C. GRCh37 (hg19) VCF-style: chr5-110075014-G-C.
Other names: c.194G>C, p.Gly65Ala (NM_001303249.3); c.10+1066G>C (NM_001303250.3); short protein forms G65A.
Identifiers: ClinVar variation 542452 (VCV000542452.10), dbSNP rs1410055577, ClinGen allele CA360693340.

ClinVar aggregate classification (germline): Uncertain significance. Review status: criteria provided, single submitter (1 of 4 stars). 2 submissions from 2 submitters: Uncertain significance (1). 1 of the submissions does not count toward it. Last evaluated 2022-06-12.

Conditions:
Neuropathy, hereditary motor and sensory, type 6B (HMSN6B). Also called: HMSN VIB; CHARCOT-MARIE-TOOTH DISEASE, TYPE 6B; NEUROPATHY, HEREDITARY MOTOR AND SENSORY, TYPE VIB, WITH OPTIC ATROPHY; Neuropathy, hereditary motor and sensory, type VIB. Identifiers: MedGen C4225302, MONDO:0014671, OMIM 616505.
Retinal dystrophy. Also called: Inherited retinal dystrophy. Identifiers: Orphanet 71862, MedGen C0854723, MeSH D058499, MONDO:0019118, HP:0000556.

Allele frequency attached by ClinVar (database versions not stated): gnomAD 0.00001; gnomAD exomes 0.00001; TOPMed 0.00001.
gnomAD v4.1: 23 of 1,569,596 alleles (0.0015%); highest among the groups gnomAD compares: Non-Finnish European, 0.002%; no homozygotes.

Submissions (2):

Labcorp Genetics (formerly Invitae), Labcorp
Classification: Uncertain significance for Neuropathy, hereditary motor and sensory, type 6B. Last evaluated: 2022-06-12. Review status: criteria provided, single submitter. Criteria: Invitae Variant Classification Sherloc (09022015). Collection method: clinical testing. Allele origin: germline.
Comment: This sequence change replaces glycine, which is neutral and non-polar, with alanine, which is neutral and non-polar, at codon 65 of the SLC25A46 protein (p.Gly65Ala). This variant is present in population databases (no rsID available, gnomAD 0.003%). This variant has not been reported in the literature in individuals affected with SLC25A46-related conditions. ClinVar contains an entry for this variant (Variation ID: 542452). Algorithms developed to predict the effect of missense changes on protein structure and function (SIFT, PolyPhen-2, Align-GVGD) all suggest that this variant is likely to be tolerated. In summary, the available evidence is currently insufficient to determine the role of this variant in disease. Therefore, it has been classified as a Variant of Uncertain Significance.

Institute of Human Genetics, Univ. Regensburg, Univ. Regensburg
Classification: Uncertain significance for Retinal dystrophy. Last evaluated: 2022-01-01. Review status: no assertion criteria provided. Criteria: ACMG Guidelines, 2015. Collection method: clinical testing. Allele origin: germline. Affected: yes. Not counted in ClinVar's aggregate classification.